The following is an entry in ClinVar:

ClinVar aggregate classification (germline): Conflicting classifications of pathogenicity. Review status: criteria provided, conflicting classifications (1 of 4 stars). 3 submissions from 3 submitters: Uncertain significance (2); Likely benign (1). Last evaluated 2023-11-07.

Conditions:
Hereditary breast ovarian cancer syndrome. Also called: Hereditary breast and/or ovarian cancer syndrome; BRCA1- and BRCA2-Associated Hereditary Breast and Ovarian Cancer; Hereditary breast and ovarian cancer syndrome; Hereditary breast and ovarian cancer; Hereditary breast and ovarian cancer syndrome (HBOC); Breast and ovarian cancer. Identifiers: Orphanet 145, MedGen C0677776, MeSH D061325, MONDO:0003582. Disease mechanism: loss of function.
Hereditary cancer-predisposing syndrome. Also called: Tumor predisposition; Hereditary Cancer Syndrome; Hereditary neoplastic syndrome; Neoplastic Syndromes, Hereditary. Identifiers: Orphanet 140162, MedGen C0027672, MeSH D009386, MONDO:0015356.

Submissions (4):

Labcorp Genetics (formerly Invitae), Labcorp
Classification: Uncertain significance for Hereditary breast ovarian cancer syndrome. Last evaluated: 2023-11-07. Review status: criteria provided, single submitter. Criteria: Invitae Variant Classification Sherloc (09022015). Collection method: clinical testing. Allele origin: germline.
Comment: This sequence change replaces glutamine, which is neutral and polar, with arginine, which is basic and polar, at codon 94 of the BRCA1 protein (p.Gln94Arg). This variant is not present in population databases (gnomAD no frequency). This variant has not been reported in the literature in individuals affected with BRCA1-related conditions. ClinVar contains an entry for this variant (Variation ID: 865629). Advanced modeling performed at Invitae incorporating data from internal and/or published experimental studies (PMID: 30209399) indicates that this missense variant is not expected to disrupt BRCA1 function with a negative predictive value of 95%. Experimental studies have shown that this missense change does not substantially affect BRCA1 function (PMID: 30209399). In summary, the available evidence is currently insufficient to determine the role of this variant in disease. Therefore, it has been classified as a Variant of Uncertain Significance.

Ambry Genetics
Classification: Likely benign for Hereditary cancer-predisposing syndrome. Last evaluated: 2023-09-11. Review status: criteria provided, single submitter. Criteria: Ambry Variant Classification Scheme 2023. Collection method: clinical testing. Allele origin: germline.

Color Diagnostics, LLC DBA Color Health
Classification: Uncertain significance for Hereditary cancer-predisposing syndrome. Last evaluated: 2020-01-02. Review status: criteria provided, single submitter. Criteria: ACMG Guidelines, 2015. Collection method: clinical testing. Allele origin: germline.
Comment: This missense variant replaces glutamine with arginine at codon 94 of the BRCA1 protein. Computational prediction is inconclusive regarding the impact of this variant on protein structure and function (internally defined REVEL score threshold 0.5 < inconclusive < 0.7, PMID: 27666373). Splice site prediction tools suggest that this variant may not impact RNA splicing. To our knowledge, functional studies have not been performed for this variant. This variant has not been reported in individuals affected with hereditary cancer in the literature. This variant has not been identified in the general population by the Genome Aggregation Database (gnomAD). The available evidence is insufficient to determine the role of this variant in disease conclusively. Therefore, this variant is classified as a Variant of Uncertain Significance.

Brotman Baty Institute, University of Washington
No classification provided (evidence only). Condition: Breast-ovarian cancer, familial 1. Review status: no classification provided. Collection method: in vitro. Allele origin: not applicable. Functional consequence: functionally_normal. Not counted in ClinVar's aggregate classification.
ClinVar note: "not provided" was previously submitted as the classification for the variant. However, the classification appeared to be based only on an observation of functional data so it was converted to no classification on 2025-07-30.

Literature cited by the submitters: PubMed 30209399 (cited by Labcorp Genetics (formerly Invitae), Labcorp and Ambry Genetics).

NM_007294.4(BRCA1):c.281A>G (p.Gln94Arg)

Gene: BRCA1 (BRCA1 DNA repair associated; minus strand). Cytogenetic location: 17q21.31.
Variant type: single nucleotide variant.
Coding change: c.281A>G on transcript NM_007294.4 (MANE Select); coding-DNA position 281, A replaced by G.
Protein change: p.Gln94Arg; replaces glutamine 94 with arginine.
Molecular consequence: missense variant. On other transcripts: non-coding transcript variant (1).
Genome position (GRCh38, 1-based): chr17:43,104,888, T>C on the plus strand (A>G on the coding strand, the complement: BRCA1 is on the minus strand). VCF-style: chr17-43104888-T-C. GRCh37 (hg19) VCF-style: chr17-41256905-T-C.
Other names: c.140A>G, p.Gln47Arg (NM_001407925.1, NM_001407926.1, NM_001407927.1 and 99 more transcripts); c.281A>G, p.Gln94Arg (NM_001407937.1, NM_001407938.1, NM_001407939.1 and 168 more transcripts); c.71A>G, p.Gln24Arg (NM_001407946.1, NM_001407947.1, NM_001407948.1 and 58 more transcripts); c.-101A>G (NM_001407959.1, NM_001407960.1, NM_001407962.1 and 4 more transcripts); c.203A>G, p.Gln68Arg (NM_001408409.1, NM_001408411.1, NM_001408412.1 and 21 more transcripts); c.149A>G, p.Gln50Arg (NM_001408451.1); short protein forms Q47R, Q94R, Q24R, Q50R, Q68R.
Identifiers: ClinVar variation 865629 (VCV000865629.13), dbSNP rs2054675893, ClinGen allele CA10601592.
Genomic context (GRCh38, chr17:43,104,888, plus strand): 5'-ACAGCACTTGAGTGTCATTCTTGGGATATTCAACACTTACACTCCAAACCTGTGTCAAGC[T>C]GAAAAGCACAAATGATTTTCAATAGCTCTTCAACAAGTTGACTAAATCTCGTACTTTCTT-3'
Protein context (NP_009225.1, residues 84-104): EELLKIICAF[Gln94Arg]LDTGLEYANS